The following is an entry in ClinVar:

ClinVar aggregate classification (germline): Likely pathogenic (1 of 4 stars; one submission).

Submission:

Labcorp Genetics (formerly Invitae), Labcorp
Classification: Likely pathogenic. Last evaluated: 2025-04-11. Review status: criteria provided, single submitter. Criteria: Invitae Variant Classification Sherloc (09022015). Collection method: clinical testing. Allele origin: germline.
Comment: This sequence change affects an acceptor splice site in intron 1 of the SCLT1 gene. It is expected to disrupt RNA splicing. Variants that disrupt the donor or acceptor splice site typically lead to a loss of protein function (PMID: 16199547), and loss-of-function variants in SCLT1 are known to be pathogenic (PMID: 28005958). This variant is not present in population databases (gnomAD no frequency). This variant has not been reported in the literature in individuals affected with SCLT1-related conditions. Algorithms developed to predict the effect of sequence changes on RNA splicing suggest that this variant may disrupt the consensus splice site. In summary, the currently available evidence indicates that the variant is pathogenic, but additional data are needed to prove that conclusively. Therefore, this variant has been classified as Likely Pathogenic.

Literature cited by the submitters: PubMed 16199547; PubMed 28005958.

NM_144643.4(SCLT1):c.35-1G>T

Gene: SCLT1 (sodium channel and clathrin linker 1; minus strand). Cytogenetic location: 4q28.2.
Variant type: single nucleotide variant.
Coding change: c.35-1G>T on transcript NM_144643.4 (MANE Select); the canonical splice acceptor site of the intron before coding-DNA position 35, G replaced by T.
Molecular consequence: splice acceptor variant.
Genome position (GRCh38, 1-based): chr4:129,082,374, C>A on the plus strand (G>T on the coding strand, the complement: SCLT1 is on the minus strand). VCF-style: chr4-129082374-C-A. GRCh37 (hg19) VCF-style: chr4-130003529-C-A.
Other names: c.35-1G>T (NM_001410807.1, NM_001300898.2, NM_001300897.2).
Identifiers: ClinVar variation 4717062 (VCV004717062.1).